The following is an entry in ClinVar:

ClinVar aggregate classification (germline): Uncertain significance. Review status: criteria provided, single submitter (1 of 4 stars). 2 submissions from 2 submitters: Uncertain significance (1). 1 of the submissions does not count toward it. Last evaluated 2021-05-27.

Conditions:
POLE-related disorder. Also called: POLE-related disorders; POLE-related condition.

Allele frequency attached by ClinVar (database versions not stated): ExAC 0.00001.
gnomAD v4.1: 1 of 1,613,034 alleles (0.000062%); highest among the groups gnomAD compares: Admixed American, 0.0017%; no homozygotes.

Submissions (2):

Labcorp Genetics (formerly Invitae), Labcorp
Classification: Uncertain significance. Last evaluated: 2021-05-27. Review status: criteria provided, single submitter. Criteria: Invitae Variant Classification Sherloc (09022015). Collection method: clinical testing. Allele origin: germline.
Comment: In summary, the available evidence is currently insufficient to determine the role of this variant in disease. Therefore, it has been classified as a Variant of Uncertain Significance. Algorithms developed to predict the effect of missense changes on protein structure and function do not agree on the potential impact of this missense change (SIFT: "Deleterious"; PolyPhen-2: "Benign"; Align-GVGD: "Class C0"). This variant has not been reported in the literature in individuals with POLE-related disease. This variant is present in population databases (rs555774342, ExAC 0.009%). This sequence change replaces arginine with serine at codon 154 of the POLE protein (p.Arg154Ser). The arginine residue is weakly conserved and there is a moderate physicochemical difference between arginine and serine.

PreventionGenetics, part of Exact Sciences
Classification: Uncertain significance for POLE-related condition. Last evaluated: 2024-04-23. Review status: no assertion criteria provided. Collection method: clinical testing. Allele origin: germline. Not counted in ClinVar's aggregate classification.
Comment: The POLE c.462G>C variant is predicted to result in the amino acid substitution p.Arg154Ser. To our knowledge, this variant has not been reported in the literature. This variant is reported in 0.0029% of alleles in individuals of Latino descent in gnomAD. At this time, the clinical significance of this variant is uncertain due to the absence of conclusive functional and genetic evidence.

NM_006231.4(POLE):c.462G>C (p.Arg154Ser)

Gene: POLE (DNA polymerase epsilon, catalytic subunit; minus strand). Cytogenetic location: 12q24.33.
Variant type: single nucleotide variant.
Coding change: c.462G>C on transcript NM_006231.4 (MANE Select); coding-DNA position 462, G replaced by C.
Protein change: p.Arg154Ser; replaces arginine 154 with serine.
Molecular consequence: missense variant.
Genome position (GRCh38, 1-based): chr12:132,679,613, C>G on the plus strand (G>C on the coding strand, the complement: POLE is on the minus strand). VCF-style: chr12-132679613-C-G. GRCh37 (hg19) VCF-style: chr12-133256199-C-G.
Other names: short protein forms R154S.
Identifiers: ClinVar variation 540784 (VCV000540784.9), dbSNP rs555774342, ClinGen allele CA6894308.